The following is an entry in ClinVar:

ClinVar aggregate classification (germline): Benign. Review status: criteria provided, multiple submitters, no conflicts (2 of 4 stars). 2 submissions from 2 submitters: Benign (2). Last evaluated 2018-06-16.

Allele frequency attached by ClinVar (database versions not stated): gnomAD 0.43129 and 0.43416; TOPMed 0.44656; gnomAD exomes 0.44724; 1000 Genomes Project 30x 0.46096; 1000 Genomes Project 0.46266.
gnomAD v4.1: 390,254 of 875,772 alleles (45%); highest among the groups gnomAD compares: East Asian, 61%; 89,033 homozygotes.

Submissions (2):

GeneDx
Classification: Benign. Last evaluated: 2018-06-16. Review status: criteria provided, single submitter. Criteria: GeneDx Variant Classification (06012015). Collection method: clinical testing. Allele origin: germline. Affected: yes.
Comment: This variant is considered likely benign or benign based on one or more of the following criteria: it is a conservative change, it occurs at a poorly conserved position in the protein, it is predicted to be benign by multiple in silico algorithms, and/or has population frequency not consistent with disease.

Breakthrough Genomics
Classification: Benign. Review status: criteria provided, single submitter. Criteria: ACMG Guidelines, 2015. Collection method: not provided. Allele origin: germline. Inheritance: Autosomal recessive inheritance. Affected: yes.

NM_005677.4(COLQ):c.814+87C>T

Gene: COLQ (collagen like tail subunit of asymmetric acetylcholinesterase; minus strand). Cytogenetic location: 3p25.1.
Variant type: single nucleotide variant.
Coding change: c.814+87C>T on transcript NM_005677.4 (MANE Select); 87 bases into the intron after coding-DNA position 814, C replaced by T.
Molecular consequence: intron variant.
Genome position (GRCh38, 1-based): chr3:15,466,254, G>A on the plus strand (C>T on the coding strand, the complement: COLQ is on the minus strand). VCF-style: chr3-15466254-G-A. GRCh37 (hg19) VCF-style: chr3-15507761-G-A.
Other names: c.712+87C>T (NM_080539.4); c.784+87C>T (NM_080538.2).
Identifiers: ClinVar variation 679260 (VCV000679260.2), dbSNP rs3732722, ClinGen allele CA11352881.
Genomic context (GRCh38, chr3:15,466,254, plus strand): 5'-TCGTGGAGAAATTACAAAGATATTGGAGTGTCTCTGGTAGTTTCTAACTTGAAACACAAG[G>A]CATCTCTGCTGGCATCTCCTTGTGCCCTCTCTGGGAGGCTGGCCAGTACTCCAACAGTGG-3'